The following is an entry in ClinVar:

NM_152419.3(HGSNAT):c.1416_1427delinsT (p.Ile473fs)

Gene: HGSNAT (heparan-alpha-glucosaminide N-acetyltransferase; plus strand). Cytogenetic location: 8p11.21.
Variant type: Indel.
Coding change: c.1416_1427delinsT on transcript NM_152419.3 (MANE Select); coding-DNA positions 1416 to 1427, CATCCTGGGCAC replaced by T.
Protein change: p.Ile473fs; shifts the reading frame from isoleucine 473.
Molecular consequence: frameshift variant.
Genome position (GRCh38, 1-based): chr8:43,193,795-43,193,806, CATCCTGGGCAC replaced by T. VCF-style: chr8-43193795-CATCCTGGGCAC-T. GRCh37 (hg19) VCF-style: chr8-43048938-CATCCTGGGCAC-T.
Other names: c.1416_1427delinsT, p.Ile473fs (NM_001363227.2); c.1224_1235delinsT, p.Ile409fs (NM_001363228.2); c.552_563delinsT, p.Ile185fs (NM_001363229.2); short protein forms I185fs, I409fs, I473fs.
Identifiers: ClinVar variation 4816863 (VCV004816863.1).

ClinVar aggregate classification (germline): Likely pathogenic (1 of 4 stars; one submission).

Conditions:
Mucopolysaccharidosis, MPS-III-C (MPS3C). Also called: MPS IIIC (Sanfilippo Syndrome Type C); SANFILIPPO SYNDROME C; MPS III C; Mucopolysaccharidosis type IIIC (Sanfilippo C); MUCOPOLYSACCHARIDOSIS, TYPE IIIC; mucopolysaccharidosis type 3C. Identifiers: Orphanet 581, Orphanet 79271, MedGen C0086649, MONDO:0009657, OMIM 252930.

Submission:

Natera, Inc.
Classification: Likely pathogenic for Mucopolysaccharidosis type IIIC. Last evaluated: 2025-12-30. Review status: criteria provided, single submitter. Criteria: Natera Variant Classification Schema (03/2026). Collection method: clinical testing. Allele origin: germline.
Comment: The c.1416_1427delinsT variant in HGSNAT is a frameshift variant predicted to shift the reading frame beginning at codon 473 and leads to a stop codon 50 codons downstream. This variant is expected to result in nonsense mediated decay, truncation, or a dysfunctional protein product. This variant is rare in the general population with a frequency below the threshold expected for the associated phenotype(s). Given the available evidence, this variant is classified as Likely Pathogenic.